The following is an entry in ClinVar:

NM_015295.3(SMCHD1):c.306G>A (p.Ser102=)

Gene: SMCHD1 (structural maintenance of chromosomes flexible hinge domain containing 1; plus strand). Cytogenetic location: 18p11.32.
Variant type: single nucleotide variant.
Coding change: c.306G>A on transcript NM_015295.3 (MANE Select); coding-DNA position 306, G replaced by A.
Protein change: p.Ser102=; no amino-acid change (serine 102 retained).
Molecular consequence: synonymous variant.
Genome position (GRCh38, 1-based): chr18:2,666,913, G>A. VCF-style: chr18-2666913-G-A. GRCh37 (hg19) VCF-style: chr18-2666912-G-A.
Identifiers: ClinVar variation 282399 (VCV000282399.18), dbSNP rs7229488, ClinGen allele CA8870526.
Genomic context (GRCh38, chr18:2,666,913, plus strand): 5'-TTCACTCTTGATTACAGATGAAACTGTTAAAGATGGAGTCACCTTATACCTGCTACAGTC[G>A]GTCAATCAGTTACTACTGACAGCTACGAAAGAACGAATTGACTTCTTACCTCACTATGAC-3'
Protein context (NP_056110.2, residues 92-112): KDGVTLYLLQ[Ser102=]VNQLLLTATK

ClinVar aggregate classification (germline): Conflicting classifications of pathogenicity. Review status: criteria provided, conflicting classifications (1 of 4 stars). 4 submissions from 4 submitters: Uncertain significance (1); Benign (3). Last evaluated 2026-01-17.

Conditions:
Facioscapulohumeral muscular dystrophy 2 (FSHD2). Also called: MUSCULAR DYSTROPHY, FACIOSCAPULOHUMERAL, TYPE 1B; FACIOSCAPULOHUMERAL MUSCULAR DYSTROPHY 2, DIGENIC; FSHD2, DIGENIC. Identifiers: Orphanet 269, MedGen C1834671, MONDO:0008031, OMIM 158901.

Allele frequency attached by ClinVar (database versions not stated): gnomAD exomes 0.00018; ExAC 0.00022; 1000 Genomes Project 0.00040; 1000 Genomes Project 30x 0.00047; ESP Exome Variant Server 0.00050; gnomAD 0.00060 and 0.00063; TOPMed 0.00073.
gnomAD v4.1: 196 of 1,613,102 alleles (0.012%); highest among the groups gnomAD compares: African/African-American, 0.22%; no homozygotes.

Submissions (4):

Labcorp Genetics (formerly Invitae), Labcorp
Classification: Benign for Facioscapulohumeral muscular dystrophy 2. Last evaluated: 2026-01-17. Review status: criteria provided, single submitter. Criteria: Invitae Variant Classification Sherloc (09022015). Collection method: clinical testing. Allele origin: germline.

GeneDx
Classification: Benign. Last evaluated: 2021-08-23. Review status: criteria provided, single submitter. Criteria: GeneDx Variant Classification Process June 2021. Collection method: clinical testing. Allele origin: germline. Affected: yes.
Comment: This variant is associated with the following publications: (PMID: 33436523)

Athena Diagnostics
Classification: Benign. Last evaluated: 2019-12-31. Review status: criteria provided, single submitter. Criteria: Athena Diagnostics Criteria. Collection method: clinical testing. Allele origin: unknown.

Eurofins Ntd Llc (ga)
Classification: Uncertain significance. Last evaluated: 2018-09-12. Review status: criteria provided, single submitter. Criteria: EGL ClinVar v180209 classification definitions. Collection method: clinical testing. Allele origin: germline. Observed: 4 variant alleles, 4 heterozygotes.